The following is an entry in ClinVar:

ClinVar aggregate classification (germline): Uncertain significance (1 of 4 stars; one submission).

Conditions:
RFT1-congenital disorder of glycosylation (CDG1N). Also called: Congenital disorder of glycosylation type In; CDG In; RFT1-CDG. Identifiers: Orphanet 244310, MedGen C2677590, MONDO:0012783, OMIM 612015.

Allele frequency attached by ClinVar (database versions not stated): gnomAD exomes below 0.00001; ExAC 0.00001; TOPMed 0.00002; gnomAD 0.00003 and 0.00004.
gnomAD v4.1: 6 of 1,614,112 alleles (0.00037%); highest among the groups gnomAD compares: African/African-American, 0.0067%; no homozygotes.

Submission:

Labcorp Genetics (formerly Invitae), Labcorp
Classification: Uncertain significance for RFT1-congenital disorder of glycosylation. Last evaluated: 2021-04-05. Review status: criteria provided, single submitter. Criteria: Invitae Variant Classification Sherloc (09022015). Collection method: clinical testing. Allele origin: germline.
Comment: This variant has not been reported in the literature in individuals with RFT1-related conditions. This variant is present in population databases (rs747610673, ExAC 0.01%). This sequence change replaces valine with alanine at codon 533 of the RFT1 protein (p.Val533Ala). The valine residue is weakly conserved and there is a small physicochemical difference between valine and alanine. Algorithms developed to predict the effect of missense changes on protein structure and function output the following: SIFT: "Tolerated"; PolyPhen-2: "Benign"; Align-GVGD: "Class C0". The alanine amino acid residue is found in multiple mammalian species, suggesting that this missense change does not adversely affect protein function. These predictions have not been confirmed by published functional studies and their clinical significance is uncertain. In summary, the available evidence is currently insufficient to determine the role of this variant in disease. Therefore, it has been classified as a Variant of Uncertain Significance.

NM_052859.4(RFT1):c.1598T>C (p.Val533Ala)

Gene: RFT1 (RFT1 glycolipid translocator homolog; minus strand). Cytogenetic location: 3p21.1.
Variant type: single nucleotide variant.
Coding change: c.1598T>C on transcript NM_052859.4 (MANE Select); coding-DNA position 1598, T replaced by C.
Protein change: p.Val533Ala; replaces valine 533 with alanine.
Molecular consequence: missense variant.
Genome position (GRCh38, 1-based): chr3:53,091,931, A>G on the plus strand (T>C on the coding strand, the complement: RFT1 is on the minus strand). VCF-style: chr3-53091931-A-G. GRCh37 (hg19) VCF-style: chr3-53125947-A-G.
Other names: short protein forms V533A.
Identifiers: ClinVar variation 1360971 (VCV001360971.8), dbSNP rs747610673, ClinGen allele CA2451119.